The following is an entry in ClinVar:

ClinVar aggregate classification (germline): Benign. Review status: criteria provided, multiple submitters, no conflicts (2 of 4 stars). 3 submissions from 3 submitters: Benign (3). Last evaluated 2026-09-01.

Allele frequency attached by ClinVar (database versions not stated): TOPMed 0.00479; 1000 Genomes Project 30x 0.00515; 1000 Genomes Project 0.00519; gnomAD 0.00524 and 0.00554; ESP Exome Variant Server 0.00592.
gnomAD v4.1: 11,410 of 1,613,252 alleles (0.71%); highest among the groups gnomAD compares: Middle Eastern, 1.9%; 77 homozygotes.

Submissions (3):

CeGaT Center for Human Genetics Tuebingen
Classification: Benign. Last evaluated: 2026-09-01. Review status: criteria provided, single submitter. Criteria: CeGaT Center For Human Genetics Tuebingen Variant Classification Criteria Version 2. Collection method: clinical testing. Allele origin: germline. Affected: yes. Observed: 15 variant alleles.
Comment: CASZ1: BS1, BS2

Labcorp Genetics (formerly Invitae), Labcorp
Classification: Benign. Last evaluated: 2026-01-08. Review status: criteria provided, single submitter. Criteria: Invitae Variant Classification Sherloc (09022015). Collection method: clinical testing. Allele origin: germline.

Breakthrough Genomics
Classification: Benign. Review status: criteria provided, single submitter. Criteria: ACMG Guidelines, 2015. Collection method: not provided. Allele origin: germline. Inheritance: Unknown mechanism. Affected: yes.

NM_001079843.3(CASZ1):c.845C>T (p.Thr282Met)

Gene: CASZ1 (castor zinc finger 1; minus strand). Cytogenetic location: 1p36.22.
Variant type: single nucleotide variant.
Coding change: c.845C>T on transcript NM_001079843.3 (MANE Select); coding-DNA position 845, C replaced by T.
Protein change: p.Thr282Met; replaces threonine 282 with methionine.
Molecular consequence: missense variant.
Genome position (GRCh38, 1-based): chr1:10,660,197, G>A on the plus strand (C>T on the coding strand, the complement: CASZ1 is on the minus strand). VCF-style: chr1-10660197-G-A. GRCh37 (hg19) VCF-style: chr1-10720254-G-A.
Other names: c.845C>T, p.Thr282Met (NM_017766.5); short protein forms T282M.
Identifiers: ClinVar variation 709353 (VCV000709353.34), dbSNP rs61736951, ClinGen allele CA585297.
Genomic context (GRCh38, chr1:10,660,197, plus strand): 5'-ATCTGGACACTGCTGTGCGACGGCAGGGGCAGGATGGTGGCCTTGGTCTCCAGGTGGGCC[G>A]TGCTGCTGGGCAGCCGCAGGCCGGGCAGGGTGCCCACCACCTCCTTGCCCACCCGCTCCT-3'
Protein context (NP_001073312.1, residues 272-292): TLPGLRLPSS[Thr282Met]AHLETKATIL